The following is an entry in ClinVar:

NM_001355613.1(CPHXL):c.1006A>G (p.Met336Val)

Gene: CPHXL (cytoplasmic polyadenylated homeobox like; minus strand). Cytogenetic location: 16q23.1.
Variant type: single nucleotide variant.
Coding change: c.1006A>G on transcript NM_001355613.1 (MANE Select); coding-DNA position 1006, A replaced by G.
Protein change: p.Met336Val; replaces methionine 336 with valine.
Molecular consequence: missense variant.
Genome position (GRCh38, 1-based): chr16:75,714,436, T>C on the plus strand (A>G on the coding strand, the complement: CPHXL is on the minus strand). VCF-style: chr16-75714436-T-C. GRCh37 (hg19) VCF-style: chr16-75748334-T-C.
Other names: short protein forms M336V.
Identifiers: ClinVar variation 3388863 (VCV003388863.14).
Genomic context (GRCh38, chr16:75,714,436, plus strand): 5'-TCTGCAGCTGTGACTGAGCCGAGGACCACTGCTTCCCTAGATCCCAAGGACCCGAGTCCA[T>C]TGGGAGCTGTTCCTGCAACATCATCCCCTCTAAGTAATTCTGAGGCTGTTGGTGCTGCTG-3'
Protein context (NP_001342542.1, residues 326-346): EGMMLQEQLP[Met336Val]DSGPWDLGKQ

ClinVar aggregate classification (germline): Benign (1 of 4 stars; one submission).

gnomAD v4.1: 3,749 of 398,584 alleles (0.94%); highest among the groups gnomAD compares: Non-Finnish European, 1.2%; 24 homozygotes.

Submission:

CeGaT Center for Human Genetics Tuebingen
Classification: Benign. Last evaluated: 2026-06-01. Review status: criteria provided, single submitter. Criteria: CeGaT Center For Human Genetics Tuebingen Variant Classification Criteria Version 2. Collection method: clinical testing. Allele origin: germline. Affected: yes. Observed: 31 variant alleles.
Comment: CPHXL: BS1, BS2